The following is an entry in ClinVar:

NM_001164508.2(NEB):c.23016+4G>A

Genes: NEB (nebulin; minus strand), RIF1 (replication timing regulatory factor 1; plus strand). Cytogenetic location: 2q23.3.
Variant type: single nucleotide variant.
Coding change: c.23016+4G>A on transcript NM_001164508.2 (MANE Select); 4 bases into the intron after coding-DNA position 23016, G replaced by A.
Molecular consequence: intron variant.
Genome position (GRCh38, 1-based): chr2:151,514,814, C>T on the plus strand (G>A on the coding strand, the complement: NEB is on the minus strand). VCF-style: chr2-151514814-C-T. GRCh37 (hg19) VCF-style: chr2-152371328-C-T.
Other names: c.17913+4G>A (NM_004543.5); c.23016+4G>A (NM_001164507.2); c.23121+4G>A (NM_001271208.2).
Identifiers: ClinVar variation 2089021 (VCV002089021.1), dbSNP rs557045202, ClinGen allele CA2580063967.

ClinVar aggregate classification (germline): Uncertain significance (1 of 4 stars; one submission).

Conditions:
Nemaline myopathy 2 (NEM2). Also called: Nemaline myopathy 2, autosomal recessive. Identifiers: MedGen C1850569, MONDO:0009725, OMIM 256030.

gnomAD v4.1: 2 of 1,554,134 alleles (0.00013%); highest among the groups gnomAD compares: Non-Finnish European, 0.00017%; no homozygotes.

Submission:

Labcorp Genetics (formerly Invitae), Labcorp
Classification: Uncertain significance for Nemaline myopathy 2. Last evaluated: 2022-06-05. Review status: criteria provided, single submitter. Criteria: Invitae Variant Classification Sherloc (09022015). Collection method: clinical testing. Allele origin: germline.
Comment: This sequence change falls in intron 159 of the NEB gene. It does not directly change the encoded amino acid sequence of the NEB protein. It affects a nucleotide within the consensus splice site. This variant is not present in population databases (gnomAD no frequency). This variant has not been reported in the literature in individuals affected with NEB-related conditions. Variants that disrupt the consensus splice site are a relatively common cause of aberrant splicing (PMID: 17576681, 9536098). Algorithms developed to predict the effect of sequence changes on RNA splicing suggest that this variant may create or strengthen a splice site. In summary, the available evidence is currently insufficient to determine the role of this variant in disease. Therefore, it has been classified as a Variant of Uncertain Significance.

Literature cited by the submitters: PubMed 17576681; PubMed 9536098.